The following is an entry in ClinVar:

ClinVar aggregate classification (germline): Benign/Likely benign. Review status: criteria provided, multiple submitters, no conflicts (2 of 4 stars). 3 submissions from 3 submitters: Benign (1); Likely benign (1). 1 of the submissions does not count toward it. Last evaluated 2022-12-01.

Conditions:
PTPRD-related disorder. Also called: PTPRD-related condition.

Allele frequency attached by ClinVar (database versions not stated): 1000 Genomes Project 0.00100; 1000 Genomes Project 30x 0.00109; TOPMed 0.00242; gnomAD 0.00265 and 0.00270; gnomAD exomes 0.00297 and 0.00384; ExAC 0.00301; ESP Exome Variant Server 0.00308.
gnomAD v4.1: 5,921 of 1,614,146 alleles (0.37%); highest among the groups gnomAD compares: Non-Finnish European, 0.44%; 24 homozygotes.

Submissions (3):

CeGaT Center for Human Genetics Tuebingen
Classification: Likely benign. Last evaluated: 2022-12-01. Review status: criteria provided, single submitter. Criteria: CeGaT Center For Human Genetics Tuebingen Variant Classification Criteria Version 2. Collection method: clinical testing. Allele origin: germline. Affected: yes. Observed: 2 variant alleles.
Comment: PTPRD: BP4

Labcorp Genetics (formerly Invitae), Labcorp
Classification: Benign. Last evaluated: 2018-09-24. Review status: criteria provided, single submitter. Criteria: Invitae Variant Classification Sherloc (09022015). Collection method: clinical testing. Allele origin: germline.

PreventionGenetics, part of Exact Sciences
Classification: Likely benign for PTPRD-related condition. Last evaluated: 2019-09-16. Review status: no assertion criteria provided. Collection method: clinical testing. Allele origin: germline. Not counted in ClinVar's aggregate classification.
Comment: This variant is classified as likely benign based on ACMG/AMP sequence variant interpretation guidelines (Richards et al. 2015 PMID: 25741868, with internal and published modifications).

NM_002839.4(PTPRD):c.2675T>C (p.Val892Ala)

Genes: PTPRD (protein tyrosine phosphatase receptor type D; minus strand), LOC126860578 (MED14-independent group 3 enhancer GRCh37_chr9:8485393-8486592; plus strand). Cytogenetic location: 9p24.1.
Variant type: single nucleotide variant.
Coding change: c.2675T>C on transcript NM_002839.4 (MANE Select); coding-DNA position 2675, T replaced by C.
Protein change: p.Val892Ala; replaces valine 892 with alanine.
Molecular consequence: missense variant. On other transcripts: intron variant (7).
Genome position (GRCh38, 1-based): chr9:8,486,142, A>G on the plus strand (T>C on the coding strand, the complement: PTPRD is on the minus strand). VCF-style: chr9-8486142-A-G. GRCh37 (hg19) VCF-style: chr9-8486142-A-G.
Other names: c.2675T>C, p.Val892Ala (NM_001377958.1, NM_001378058.1); c.1793-818T>C (NM_001171025.2); c.1805-818T>C (NM_001377946.1); c.1814-815T>C (NM_001377947.1); c.1823-818T>C (NM_130391.4, NM_130392.3); c.1814-818T>C (NM_001040712.2); c.1805-815T>C (NM_130393.3); short protein forms V892A.
Identifiers: ClinVar variation 717708 (VCV000717708.28), dbSNP rs151005956, ClinGen allele CA4984034.